The following is an entry in ClinVar:

ClinVar aggregate classification (germline): Likely pathogenic (1 of 4 stars; one submission).

Conditions:
Coffin-Siris syndrome 1 (CSS1). Also called: ARID1B-Related Coffin-Siris Syndrome; Mental retardation, autosomal dominant 12. Identifiers: Orphanet 1465, MedGen C3281201, MONDO:0007617, OMIM 135900. Disease mechanism: gain of function.

Submission:

3billion
Classification: Likely pathogenic for Coffin-Siris syndrome 1. Last evaluated: 2025-02-19. Review status: criteria provided, single submitter. Criteria: ACMG Guidelines, 2015. Collection method: clinical testing. Allele origin: germline. Affected: yes.
Comment: The variant is not observed in the gnomAD v4.1.0 dataset. Predicted Consequence/Location: Frameshift: predicted to result in a loss or disruption of normal protein function through nonsense-mediated decay (NMD) or protein truncation. Multiple pathogenic variants are reported downstream of the variant. Therefore, this variant is classified as Likely pathogenic according to the recommendation of ACMG/AMP guideline.

NM_001374828.1(ARID1B):c.2964del (p.Ser989fs)

Gene: ARID1B (AT-rich interaction domain 1B; plus strand). Cytogenetic location: 6q25.3.
Variant type: Deletion.
Coding change: c.2964del on transcript NM_001374828.1 (MANE Select); coding-DNA position 2964, one base deleted (C; older notation c.2964delC).
Protein change: p.Ser989fs; shifts the reading frame from serine 989.
Molecular consequence: frameshift variant.
Genome position (GRCh38, 1-based): chr6:157,148,826, C deleted; the last of 5 consecutive C bases (chr6:157,148,822-157,148,826); deleting any one gives the same sequence. VCF-style (leftmost placement, unchanged base first): chr6-157148821-AC-A. GRCh37 (hg19) VCF-style: chr6-157469955-AC-A.
Other names: c.465del, p.Ser156fs (NM_001363725.2, NM_001438488.1); c.3003del, p.Ser1002fs (NM_001371656.1, NM_001374820.1); c.2964del, p.Ser989fs (NM_001438482.1, NM_017519.3); c.3006del, p.Ser1003fs (NM_001438483.1, NM_001438486.1); c.2874del, p.Ser959fs (NM_001438485.1); c.2784del, p.Ser929fs (NM_001438487.1); short protein forms S1002fs, S1003fs, S156fs, S929fs, S959fs, S989fs.
Identifiers: ClinVar variation 4292136 (VCV004292136.1).
Genomic context (GRCh38, chr6:157,148,821, plus strand): 5'-GGACGAATGCCATCAGCTGGGATGCAGAACAGACCATTTCCTGGAAATATGAGCAGCATG[AC>A]CCCCAGTTCTCCTGGCATGTCTCAGCAGGGAGGGCCAGGAATGGGGCCGCCAATGCCAAC-3'